The following is an entry in ClinVar:

ClinVar aggregate classification (germline): Uncertain significance. Review status: criteria provided, multiple submitters, no conflicts (2 of 4 stars). 3 submissions from 3 submitters: Uncertain significance (3). Last evaluated 2025-06-12.

Conditions:
Inborn genetic diseases. Identifiers: MedGen C0950123, MeSH D030342.
Renal hypomagnesemia 2 (HOMG2). Also called: MAGNESIUM LOSS, ISOLATED RENAL. Identifiers: Orphanet 34528, MedGen C1835171, MONDO:0007937, OMIM 154020.

Allele frequency attached by ClinVar (database versions not stated): gnomAD exomes 0.00001 and 0.00002; ExAC 0.00004; gnomAD 0.00012; 1000 Genomes Project 30x 0.00016; 1000 Genomes Project 0.00020; ESP Exome Variant Server 0.00038.
gnomAD v4.1: 27 of 1,613,880 alleles (0.0017%); highest among the groups gnomAD compares: African/African-American, 0.032%; no homozygotes.

Submissions (3):

Labcorp Genetics (formerly Invitae), Labcorp
Classification: Uncertain significance. Last evaluated: 2025-06-12. Review status: criteria provided, single submitter. Criteria: Invitae Variant Classification Sherloc (09022015). Collection method: clinical testing. Allele origin: germline.
Comment: This sequence change replaces arginine, which is basic and polar, with lysine, which is basic and polar, at codon 59 of the FXYD2 protein (p.Arg59Lys). This variant also falls at the last nucleotide of exon 4, which is part of the consensus splice site for this exon. This variant is present in population databases (rs139816783, gnomAD 0.03%). This variant has not been reported in the literature in individuals affected with FXYD2-related conditions. ClinVar contains an entry for this variant (Variation ID: 1489687). An algorithm developed to predict the effect of missense changes on protein structure and function (PolyPhen-2) suggests that this variant is likely to be disruptive. Variants that disrupt the consensus splice site are a relatively common cause of aberrant splicing (PMID: 17576681, 9536098). Algorithms developed to predict the effect of sequence changes on RNA splicing suggest that this variant may disrupt the consensus splice site. In summary, the available evidence is currently insufficient to determine the role of this variant in disease. Therefore, it has been classified as a Variant of Uncertain Significance.

Fulgent Genetics
Classification: Uncertain significance for Renal hypomagnesemia 2. Last evaluated: 2022-03-17. Review status: criteria provided, single submitter. Criteria: ACMG Guidelines, 2015. Collection method: clinical testing. Allele origin: unknown.

Ambry Genetics
Classification: Uncertain significance for Inborn genetic diseases. Last evaluated: 2021-08-27. Review status: criteria provided, single submitter. Criteria: Ambry Variant Classification Scheme 2023. Collection method: clinical testing. Allele origin: germline.

Literature cited by the submitters: PubMed 17576681 (cited by Labcorp Genetics (formerly Invitae), Labcorp); PubMed 9536098 (cited by Labcorp Genetics (formerly Invitae), Labcorp).

NM_001680.5(FXYD2):c.176G>A (p.Arg59Lys)

Genes: FXYD2 (FXYD domain containing ion transport regulator 2; minus strand), FXYD6-FXYD2 (FXYD6-FXYD2 readthrough; minus strand). Cytogenetic location: 11q23.3.
Variant type: single nucleotide variant.
Coding change: c.176G>A on transcript NM_001680.5 (MANE Select); coding-DNA position 176, G replaced by A.
Protein change: p.Arg59Lys; replaces arginine 59 with lysine.
Molecular consequence: missense variant. On other transcripts: 3 prime UTR variant (1).
Genome position (GRCh38, 1-based): chr11:117,820,859, C>T on the plus strand (G>A on the coding strand, the complement: FXYD2 is on the minus strand). VCF-style: chr11-117820859-C-T. GRCh37 (hg19) VCF-style: chr11-117691574-C-T.
Other names: c.410G>A, p.Arg137Lys (NM_001204268.3); c.*9G>A (NM_001243598.4); c.170G>A, p.Arg57Lys (NM_021603.4); c.176G>A (NM_001680.4); short protein forms R59K, R137K, R57K.
Identifiers: ClinVar variation 1489687 (VCV001489687.8), dbSNP rs139816783, ClinGen allele CA6297773.
Genomic context (GRCh38, chr11:117,820,859, plus strand): 5'-CAGCCCGCCCCTCCTTCTCCAGCCCCAACCCCCTCATCGGTCACCCCAGGCAGCGCTCAC[C>T]TGCGCTTCTTATTGCCCCCACAGCGGAATCTTCTGCCTTGAAAAGAGAAAAGGAGATTTG-3'
Protein context (NP_001671.2, residues 49-66): RFRCGGNKKR[Arg59Lys]QINEDEP